The following is an entry in ClinVar:

NM_004320.6(ATP2A1):c.2706C>T (p.Ser902=)

Gene: ATP2A1 (ATPase sarcoplasmic/endoplasmic reticulum Ca2+ transporting 1; plus strand). Cytogenetic location: 16p11.2.
Variant type: single nucleotide variant.
Coding change: c.2706C>T on transcript NM_004320.6 (MANE Select); coding-DNA position 2706, C replaced by T.
Protein change: p.Ser902=; no amino-acid change (serine 902 retained).
Molecular consequence: synonymous variant.
Genome position (GRCh38, 1-based): chr16:28,902,873, C>T. VCF-style: chr16-28902873-C-T. GRCh37 (hg19) VCF-style: chr16-28914194-C-T.
Other names: c.2331C>T, p.Ser777= (NM_001286075.2); c.2706C>T, p.Ser902= (NM_173201.5).
Identifiers: ClinVar variation 508229 (VCV000508229.10), dbSNP rs779046968, ClinGen allele CA7987356.

ClinVar aggregate classification (germline): Likely benign. Review status: criteria provided, multiple submitters, no conflicts (2 of 4 stars). 2 submissions from 2 submitters: Likely benign (2). Last evaluated 2023-08-04.

Conditions:
Brody myopathy. Also called: BRODY DISEASE. Identifiers: Orphanet 53347, MedGen C1832918, MONDO:0010977, OMIM 601003.

Allele frequency attached by ClinVar (database versions not stated): gnomAD exomes below 0.00001 and 0.00002; TOPMed 0.00001; ExAC 0.00002; gnomAD 0.00002 and 0.00003.
gnomAD v4.1: 9 of 1,613,878 alleles (0.00056%); highest among the groups gnomAD compares: African/African-American, 0.0027%; no homozygotes.

Submissions (2):

Labcorp Genetics (formerly Invitae), Labcorp
Classification: Likely benign for Brody myopathy. Last evaluated: 2023-08-04. Review status: criteria provided, single submitter. Criteria: Invitae Variant Classification Sherloc (09022015). Collection method: clinical testing. Allele origin: germline.

GeneDx
Classification: Likely benign. Last evaluated: 2017-03-23. Review status: criteria provided, single submitter. Criteria: GeneDx Variant Classification (06012015). Collection method: clinical testing. Allele origin: germline. Affected: yes.
Comment: This variant is considered likely benign or benign based on one or more of the following criteria: it is a conservative change, it occurs at a poorly conserved position in the protein, it is predicted to be benign by multiple in silico algorithms, and/or has population frequency not consistent with disease.